The following is an entry in ClinVar:

NM_006929.5(SKIC2):c.528del (p.Glu176_Ile177insTer)

Gene: SKIC2 (SKI2 subunit of superkiller complex; plus strand). Cytogenetic location: 6p21.33.
Variant type: Deletion.
Coding change: c.528del on transcript NM_006929.5 (MANE Select); coding-DNA position 528, one base deleted (G; older notation c.528delG).
Protein change: p.Glu176_Ile177insTer.
Molecular consequence: frameshift variant.
Genome position (GRCh38, 1-based): chr6:31,960,724, G deleted. VCF-style (leftmost placement, unchanged base first): chr6-31960723-AG-A. GRCh37 (hg19) VCF-style: chr6-31928500-AG-A.
Identifiers: ClinVar variation 3645783 (VCV003645783.2).

ClinVar aggregate classification (germline): Pathogenic (1 of 4 stars; one submission).

Submission:

Labcorp Genetics (formerly Invitae), Labcorp
Classification: Pathogenic. Last evaluated: 2024-03-13. Review status: criteria provided, single submitter. Criteria: Invitae Variant Classification Sherloc (09022015). Collection method: clinical testing. Allele origin: germline.
Comment: This sequence change creates a premature translational stop signal (p.Ile177*) in the SKIV2L gene. It is expected to result in an absent or disrupted protein product. Loss-of-function variants in SKIV2L are known to be pathogenic (PMID: 22444670). This variant is not present in population databases (gnomAD no frequency). This variant has not been reported in the literature in individuals affected with SKIV2L-related conditions. For these reasons, this variant has been classified as Pathogenic.

Literature cited by the submitters: PubMed 22444670.